The following is an entry in ClinVar:

ClinVar aggregate classification (germline): Likely pathogenic (1 of 4 stars; one submission).

Conditions:
Autosomal dominant intellectual disability-craniofacial anomalies-cardiac defects syndrome (ARTHS). Also called: Arboleda-Tham syndrome; Mental retardation, autosomal dominant 32; KAT6A syndrome. Identifiers: Orphanet 457193, MedGen C4225396, MONDO:0014558, OMIM 616268.

Submission:

Dubai Health Genomic Medicine Center, Dubai Health
Classification: Likely pathogenic for Arboleda-Tham syndrome. Last evaluated: 2024-10-04. Review status: criteria provided, single submitter. Criteria: ACMG Guidelines, 2015. Collection method: research. Allele origin: germline. Affected: yes.
Comment: PVS1,PM2,PP1

NM_006766.5(KAT6A):c.2378del (p.Glu793fs)

Gene: KAT6A (lysine acetyltransferase 6A; minus strand). Cytogenetic location: 8p11.21.
Variant type: Deletion.
Coding change: c.2378del on transcript NM_006766.5 (MANE Select); coding-DNA position 2378, one base deleted (A; older notation c.2378delA).
Protein change: p.Glu793fs; shifts the reading frame from glutamic acid 793.
Molecular consequence: frameshift variant.
Genome position (GRCh38, 1-based): chr8:41,942,851, T deleted on the plus strand (A on the coding strand, the reverse complement: KAT6A is on the minus strand). VCF-style (leftmost placement, unchanged base first): chr8-41942850-CT-C. GRCh37 (hg19) VCF-style: chr8-41800368-CT-C.
Other names: c.2378del, p.Glu793fs (NM_001305878.2); short protein forms E793fs.
Identifiers: ClinVar variation 3384119 (VCV003384119.1).